The following is an entry in ClinVar:

NM_004260.4(RECQL4):c.1074G>A (p.Met358Ile)

Gene: RECQL4 (RecQ like helicase 4; minus strand). Cytogenetic location: 8q24.3.
Variant type: single nucleotide variant.
Coding change: c.1074G>A on transcript NM_004260.4 (MANE Select); coding-DNA position 1074, G replaced by A.
Protein change: p.Met358Ile; replaces methionine 358 with isoleucine.
Molecular consequence: missense variant.
Genome position (GRCh38, 1-based): chr8:144,516,045, C>T on the plus strand (G>A on the coding strand, the complement: RECQL4 is on the minus strand). VCF-style: chr8-144516045-C-T. GRCh37 (hg19) VCF-style: chr8-145741429-C-T.
Other names: short protein forms M358I.
Identifiers: ClinVar variation 1369891 (VCV001369891.7), dbSNP rs2130716492, ClinGen allele CA372688177.

ClinVar aggregate classification (germline): Uncertain significance (1 of 4 stars; one submission).

Conditions:
Baller-Gerold syndrome (BGS). Also called: CRANIOSYNOSTOSIS WITH RADIAL DEFECTS. Identifiers: Orphanet 1225, MedGen C0265308, MONDO:0009039, OMIM 218600.

Allele frequency attached by ClinVar (database versions not stated): gnomAD exomes below 0.00001.

Submission:

Labcorp Genetics (formerly Invitae), Labcorp
Classification: Uncertain significance for Baller-Gerold syndrome. Last evaluated: 2023-10-05. Review status: criteria provided, single submitter. Criteria: Invitae Variant Classification Sherloc (09022015). Collection method: clinical testing. Allele origin: germline.
Comment: This sequence change replaces methionine, which is neutral and non-polar, with isoleucine, which is neutral and non-polar, at codon 358 of the RECQL4 protein (p.Met358Ile). This variant is not present in population databases (gnomAD no frequency). This variant has not been reported in the literature in individuals affected with RECQL4-related conditions. ClinVar contains an entry for this variant (Variation ID: 1369891). Advanced modeling of protein sequence and biophysical properties (such as structural, functional, and spatial information, amino acid conservation, physicochemical variation, residue mobility, and thermodynamic stability) performed at Invitae indicates that this missense variant is not expected to disrupt RECQL4 protein function. In summary, the available evidence is currently insufficient to determine the role of this variant in disease. Therefore, it has been classified as a Variant of Uncertain Significance.